The following is an entry in ClinVar:

NM_206933.4(USH2A):c.9882C>G (p.Cys3294Trp)

Gene: USH2A (usherin; minus strand). Cytogenetic location: 1q41.
Variant type: single nucleotide variant.
Coding change: c.9882C>G on transcript NM_206933.4 (MANE Select); coding-DNA position 9882, C replaced by G.
Protein change: p.Cys3294Trp; replaces cysteine 3294 with tryptophan.
Molecular consequence: missense variant.
Genome position (GRCh38, 1-based): chr1:215,798,983, G>C on the plus strand (C>G on the coding strand, the complement: USH2A is on the minus strand). VCF-style: chr1-215798983-G-C. GRCh37 (hg19) VCF-style: chr1-215972325-G-C.
Other names: short protein forms C3294W.
Identifiers: ClinVar variation 438036 (VCV000438036.28), dbSNP rs749228276, ClinGen allele CA1394189.
Genomic context (GRCh38, chr1:215,798,983, plus strand): 5'-CACCACTCCTTCTTCTCCACCACAACACTCTAAATCGTTGCTCACAATCTGTCTGCCACA[G>C]CACTTCTGGCCATGGCCATCATGAAGCCTCCCAGCACAGCAAATCTGGTTTCCTGAGGTG-3'
Protein context (NP_996816.3, residues 3284-3304): GRLHDGHGQK[Cys3294Trp]CGRQIVSNDL

ClinVar aggregate classification (germline): Conflicting classifications of pathogenicity. Review status: criteria provided, conflicting classifications (1 of 4 stars). 12 submissions from 12 submitters: Pathogenic (4); Likely pathogenic (4); Uncertain significance (3). 1 of the submissions does not count toward it. Last evaluated 2026-09-22.

Conditions:
Retinitis pigmentosa (RP). Identifiers: Orphanet 791, MedGen C0035334, MeSH D012174, MONDO:0019200, OMIM 268000. Inheritance: Autosomal dominant, autosomal recessive and X linked inheritance.
Usher syndrome type 2A. Also called: RETINAL DISEASE IN USHER SYNDROME TYPE IIA, MODIFIER OF; USHER SYNDROME, TYPE IIA. Identifiers: Orphanet 231178, Orphanet 886, MedGen C1848634, MONDO:0010169, OMIM 276901.
USH2A-related disorder. Also called: USH2A-related disorders; USH2A-related condition. Identifiers: MedGen CN239332.
Retinal disorder. Also called: Retinopathy; Retinal disorders; Retinopathies; Retinal Diseases. Identifiers: MedGen C0035309, MONDO:0005283, HP:0000488.
Retinitis pigmentosa 39 (RP39). Identifiers: Orphanet 791, MedGen C3151138, MONDO:0013436, OMIM 613809.

Allele frequency attached by ClinVar (database versions not stated): ExAC 0.00002; gnomAD 0.00003; gnomAD exomes 0.00004 and 0.00003; TOPMed 0.00003.
gnomAD v4.1: 52 of 1,613,968 alleles (0.0032%); highest among the groups gnomAD compares: Non-Finnish European, 0.0042%; no homozygotes.

Submissions (12):

GeneDx
Classification: Likely pathogenic. Last evaluated: 2026-09-22. Review status: criteria provided, single submitter. Criteria: GeneDx Variant Classification Process June 2021. Collection method: clinical testing. Allele origin: germline.
Comment: In silico analysis supports that this missense variant has a deleterious effect on protein structure/function; This variant is associated with the following publications: (PMID: 32646269, 36819107, 31964843, 35266249, 36007554, 34031601, 33749171, 34906470, 25412400, 28041643, 24043777, 39120292, 40157442, 40338180, 38219857, Bensinger[thesis]2021)

Natera, Inc.
Classification: Likely pathogenic for Usher syndrome type 2A. Last evaluated: 2025-10-23. Review status: criteria provided, single submitter. Criteria: Natera Variant Classification Schema (03/2026). Collection method: clinical testing. Allele origin: germline.
Comment: The c.9882C>G variant in USH2A is a missense variant predicted to cause substitution of cysteine to tryptophan at amino acid 3294. This variant is rare in the general population with a frequency below the threshold expected for the associated phenotype(s). This variant has been observed in one or more individuals affected with the associated recessive disease, as either homozygous or compound heterozygous with a second variant (PMID: 25412400, 24043777, 32646269, 32340307, 28130426, 34031601, 33749171, 38219857, 36034145). Additionally, this variant has been observed to segregate in affected family members (PMID: 28130426, 24043777). Computational prediction algorithms indicate this variant is likely to affect gene or protein function. Given the available evidence, this variant is classified as Likely Pathogenic.

Genetics Laboratory, Great Ormond Street Hospital NHS Foundation Trust, North Thames Genomic Laboratory Hub
Classification: Likely pathogenic for Retinal disorders. Last evaluated: 2025-08-15. Review status: criteria provided, single submitter. Criteria: ACGS Best Practice Guidelines for Variant Classification in Rare Disease 2024 v1.2. Collection method: clinical testing. Allele origin: germline. Affected: yes.
Comment: PM2_moderate, PM3_strong

Labcorp Genetics (formerly Invitae), Labcorp
Classification: Pathogenic. Last evaluated: 2025-07-14. Review status: criteria provided, single submitter. Criteria: Invitae Variant Classification Sherloc (09022015). Collection method: clinical testing. Allele origin: germline.
Comment: This sequence change replaces cysteine, which is neutral and slightly polar, with tryptophan, which is neutral and slightly polar, at codon 3294 of the USH2A protein (p.Cys3294Trp). This variant is present in population databases (rs749228276, gnomAD 0.008%). This missense change has been observed in individual(s) with retinitis pigmentosa (PMID: 24043777, 28041643, 28130426). In at least one individual the data is consistent with being in trans (on the opposite chromosome) from a pathogenic variant. It has also been observed to segregate with disease in related individuals. ClinVar contains an entry for this variant (Variation ID: 438036). Invitae Evidence Modeling of protein sequence and biophysical properties (such as structural, functional, and spatial information, amino acid conservation, physicochemical variation, residue mobility, and thermodynamic stability) indicates that this missense variant is expected to disrupt USH2A protein function with a positive predictive value of 95%. For these reasons, this variant has been classified as Pathogenic.

Fulgent Genetics
Classification: Pathogenic for Usher syndrome type 2A; Retinitis pigmentosa 39. Last evaluated: 2024-06-20. Review status: criteria provided, single submitter. Criteria: ACMG Guidelines, 2015. Collection method: clinical testing. Allele origin: germline.

Baylor Genetics
Classification: Pathogenic for Retinitis pigmentosa 39. Last evaluated: 2024-03-04. Review status: criteria provided, single submitter. Criteria: ACMG Guidelines, 2015. Collection method: clinical testing. Allele origin: unknown.

Myriad Genetics, Inc.
Classification: Likely pathogenic for Usher syndrome type 2A. Last evaluated: 2021-11-16. Review status: criteria provided, single submitter. Criteria: Myriad Women's Health Autosomal Recessive and X-Linked Classification Criteria (2021). Collection method: clinical testing. Allele origin: unknown.
Comment: NM_206933.2(USH2A):c.9882C>G(C3294W) is a missense variant classified as likely pathogenic in the context of USH2A-related disorders. Please note that C3294W is associated with retinitis pigmentosa. C3294W has been observed in cases with relevant disease (PMID: 24043777, 28041643, 25412400, 28130426, 32646269, 34031601). Functional assessments of this variant are not available in the literature. C3294W has been observed in population frequency databases (gnomAD: NFE 0.009%). In summary, NM_206933.2(USH2A):c.9882C>G(C3294W) is a missense variant that has been observed more frequently in cases with the relevant disease than in healthy populations. Please note: this variant was assessed in the context of healthy population screening.

Blueprint Genetics
Classification: Pathogenic for USH2A-related disorders. Last evaluated: 2021-08-18. Review status: criteria provided, single submitter. Criteria: ACMG Guidelines, 2015. Collection method: clinical testing. Allele origin: germline. Affected: yes. Observed: 5 variant alleles.

Ocular Genomics Institute, Massachusetts Eye and Ear
Classification: Uncertain significance for Retinitis pigmentosa 39. Last evaluated: 2021-04-08. Review status: criteria provided, single submitter. Criteria: ACMG Guidelines, 2015. Collection method: research. Allele origin: germline. Affected: yes.
Comment: Through a review of available evidence we were able to apply the following criteria: PM2, PP1. Based on this evidence we have classified this variant as Variant of Uncertain Significance.

Broad Center for Mendelian Genomics, Broad Institute of MIT and Harvard
Classification: Uncertain significance for Retinitis pigmentosa. Last evaluated: 2021-04-01. Review status: criteria provided, single submitter. Criteria: ACMG Guidelines, 2015. Collection method: curation. Allele origin: germline. Inheritance: Autosomal recessive inheritance. Affected: yes.
Comment: Through a review of available evidence we were able to apply the following criteria: PM2, PP1. Based on this evidence we have classified this variant as a Variant of Uncertain Significance. If you have any questions about the classification please reach out to the Pierce Lab.

Eurofins Ntd Llc (ga)
Classification: Uncertain significance. Last evaluated: 2017-02-01. Review status: criteria provided, single submitter. Criteria: EGL Classification Definitions 2015. Collection method: clinical testing. Allele origin: germline. Observed: 1 variant allele, 1 heterozygote.

NIHR Bioresource Rare Diseases, University of Cambridge
Classification: Likely pathogenic for Retinitis pigmentosa. Last evaluated: 2015-01-01. Review status: no assertion criteria provided. Collection method: research. Allele origin: unknown. Affected: yes. Observed: 1 variant allele. Not counted in ClinVar's aggregate classification.

Literature cited by the submitters: PubMed 25412400 (cited by Natera, Inc. and Myriad Genetics, Inc.); PubMed 24043777 (cited by 6 submitters); PubMed 32646269 (cited by Natera, Inc. and Myriad Genetics, Inc.); PubMed 32340307 (cited by Natera, Inc.); PubMed 28130426 (cited by 5 submitters); PubMed 34031601 (cited by Natera, Inc. and Myriad Genetics, Inc.); PubMed 33749171 (cited by Natera, Inc.); PubMed 38219857 (cited by Natera, Inc.); PubMed 36034145 (cited by Natera, Inc.); PubMed 28041643 (cited by 3 submitters); PubMed 34906470 (cited by Broad Center for Mendelian Genomics, Broad Institute of MIT and Harvard).